The following is an entry in ClinVar:

ClinVar aggregate classification (germline): Uncertain significance (1 of 4 stars; one submission).

Conditions:
Intellectual developmental disorder, autosomal recessive 34, with variant lissencephaly. Also called: Intellectual disability, autosomal recessive 34. Identifiers: Orphanet 88616, MedGen C3281044, MONDO:0013785, OMIM 614499.

Allele frequency attached by ClinVar (database versions not stated): gnomAD exomes 0.00001.
gnomAD v4.1: 4 of 1,608,888 alleles (0.00025%); highest among the groups gnomAD compares: Admixed American, 0.0067%; no homozygotes.

Submission:

Baylor Genetics
Classification: Uncertain significance for Intellectual developmental disorder, autosomal recessive 34, with variant lissencephaly. Last evaluated: 2019-11-22. Review status: criteria provided, single submitter. Criteria: ACMG Guidelines, 2015. Collection method: clinical testing. Allele origin: unknown. Affected: yes.
Comment: This variant was determined to be of uncertain significance according to ACMG Guidelines, 2015 [PMID:25741868].

NM_003805.5(CRADD):c.-2A>G

Gene: CRADD (CARD and death domain containing adaptor protein; plus strand). Cytogenetic location: 12q22.
Variant type: single nucleotide variant.
Coding change: c.-2A>G on transcript NM_003805.5 (MANE Select); 2 bases upstream of the start codon, A replaced by G.
Molecular consequence: 5 prime UTR variant. On other transcripts: non-coding transcript variant (1).
Genome position (GRCh38, 1-based): chr12:93,678,773, A>G. VCF-style: chr12-93678773-A-G. GRCh37 (hg19) VCF-style: chr12-94072549-A-G.
Other names: c.-2A>G (NM_001320099.2, NM_001320100.2, NM_001320101.3 and 1 more transcripts).
Identifiers: ClinVar variation 1029755 (VCV001029755.1), dbSNP rs1431834925, ClinGen allele CA606958268.